The following is an entry in ClinVar:

ClinVar aggregate classification (germline): Uncertain significance. Review status: criteria provided, multiple submitters, no conflicts (2 of 4 stars). 2 submissions from 2 submitters: Uncertain significance (2). Last evaluated 2025-03-30.

Conditions:
Hereditary pheochromocytoma and paraganglioma. Also called: Hereditary Paraganglioma-Pheochromocytoma Syndromes; Hereditary paragangliomas and pheochromocytomas; Hereditary pheochromocytoma-paraganglioma. Identifiers: Orphanet 29072, MedGen C4274332, MONDO:0017366.
Hereditary cancer-predisposing syndrome. Also called: Neoplastic Syndromes, Hereditary; Hereditary Cancer Syndrome; Tumor predisposition; Hereditary neoplastic syndrome. Identifiers: Orphanet 140162, MedGen C0027672, MeSH D009386, MONDO:0015356.

Allele frequency attached by ClinVar (database versions not stated): TOPMed 0.00001.

Submissions (2):

Ambry Genetics
Classification: Uncertain significance for Hereditary cancer-predisposing syndrome. Last evaluated: 2025-03-30. Review status: criteria provided, single submitter. Criteria: Ambry Variant Classification Scheme 2023. Collection method: clinical testing. Allele origin: germline.
Comment: The p.D135H variant (also known as c.403G>C), located in coding exon 5 of the MAX gene, results from a G to C substitution at nucleotide position 403. The aspartic acid at codon 135 is replaced by histidine, an amino acid with similar properties. This amino acid position is conserved. In addition, this alteration is predicted to be deleterious by in silico analysis. Since supporting evidence is limited at this time, the clinical significance of this alteration remains unclear.

Labcorp Genetics (formerly Invitae), Labcorp
Classification: Uncertain significance for Hereditary pheochromocytoma and paraganglioma. Last evaluated: 2024-10-23. Review status: criteria provided, single submitter. Criteria: Invitae Variant Classification Sherloc (09022015). Collection method: clinical testing. Allele origin: germline.
Comment: This sequence change replaces aspartic acid, which is acidic and polar, with histidine, which is basic and polar, at codon 135 of the MAX protein (p.Asp135His). This variant is not present in population databases (gnomAD no frequency). This variant has not been reported in the literature in individuals affected with MAX-related conditions. ClinVar contains an entry for this variant (Variation ID: 568216). An algorithm developed to predict the effect of missense changes on protein structure and function (PolyPhen-2) suggests that this variant is likely to be disruptive. In summary, the available evidence is currently insufficient to determine the role of this variant in disease. Therefore, it has been classified as a Variant of Uncertain Significance.

NM_002382.5(MAX):c.403G>C (p.Asp135His)

Gene: MAX (MYC associated transcriptional regulator X; minus strand). Cytogenetic location: 14q23.3.
Variant type: single nucleotide variant.
Coding change: c.403G>C on transcript NM_002382.5 (MANE Select); coding-DNA position 403, G replaced by C.
Protein change: p.Asp135His; replaces aspartic acid 135 with histidine.
Molecular consequence: missense variant. On other transcripts: 3 prime UTR variant (1), intron variant (2).
Genome position (GRCh38, 1-based): chr14:65,076,556, C>G on the plus strand (G>C on the coding strand, the complement: MAX is on the minus strand). VCF-style: chr14-65076556-C-G. GRCh37 (hg19) VCF-style: chr14-65543274-C-G.
Other names: c.214G>C, p.Asp72His (NM_001320415.2, NM_001407105.1, NM_001407106.1 and 1 more transcripts); c.403G>C, p.Asp135His (NM_001407094.1); c.376G>C, p.Asp126His (NM_001407095.1, NM_145112.3); c.*176G>C (NM_001407096.1, NM_001407099.1, NM_001407102.1 and 2 more transcripts); c.*192G>C (NM_001407097.1, NM_001407100.1, NM_001407101.1 and 4 more transcripts); c.295G>C, p.Asp99His (NM_001407098.1); c.202G>C, p.Asp68His (NM_001407111.1, NM_001407112.1); c.144+17152G>C (NM_001271069.2); and 1 more; short protein forms D135H, D126H, D72H, D68H, D99H.
Identifiers: ClinVar variation 568216 (VCV000568216.14), dbSNP rs201312694, ClinGen allele CA262717089.